The following is an entry in ClinVar:

NM_001258392.3(CLPB):c.776G>A (p.Gly259Glu)

Gene: CLPB (ClpB family mitochondrial disaggregase; minus strand). Cytogenetic location: 11q13.4.
Variant type: single nucleotide variant.
Coding change: c.776G>A on transcript NM_001258392.3 (MANE Select); coding-DNA position 776, G replaced by A.
Protein change: p.Gly259Glu; replaces glycine 259 with glutamic acid.
Molecular consequence: missense variant.
Genome position (GRCh38, 1-based): chr11:72,329,804, C>T on the plus strand (G>A on the coding strand, the complement: CLPB is on the minus strand). VCF-style: chr11-72329804-C-T. GRCh37 (hg19) VCF-style: chr11-72040848-C-T.
Other names: c.689G>A, p.Gly230Glu (NM_001258393.3); c.731G>A, p.Gly244Glu (NM_001258394.3); c.866G>A, p.Gly289Glu (NM_030813.6); short protein forms G289E, G230E, G244E, G259E.
Identifiers: ClinVar variation 1039270 (VCV001039270.9), dbSNP rs543347319, ClinGen allele CA6171377.
Genomic context (GRCh38, chr11:72,329,804, plus strand): 5'-CCTTCTCGGGCATAATCCAAGGGTGTGTGTCCCATTTCATTCCTCTGCAGGGGGTTGGCT[C>T]CTGGCAAGAGAAGAAGGATAAACAGAGGCTCTATGAACGATCAGTGGGACCTCAGCCTTC-3'
Protein context (NP_001245321.1, residues 249-269): YRTVKELLDG[Gly259Glu]ANPLQRNEMG

ClinVar aggregate classification (germline): Uncertain significance (1 of 4 stars; one submission).

Conditions:
3-methylglutaconic aciduria, type VIIB (MGCA7B). Also called: 3-methylglutaconic aciduria, type VII, with cataracts, neurologic involvement and neutropenia; 3-methylglutaconic aciduria with cataracts, neurologic involvement and neutropenia; CLPB Deficiency. Identifiers: Orphanet 445038, MedGen C5676893, MONDO:0014561, OMIM 616271.

Allele frequency attached by ClinVar (database versions not stated): gnomAD 0.00001; gnomAD exomes 0.00001; ExAC 0.00002; 1000 Genomes Project 30x 0.00016; 1000 Genomes Project 0.00020.
gnomAD v4.1: 11 of 1,612,234 alleles (0.00068%); highest among the groups gnomAD compares: South Asian, 0.011%; no homozygotes.

Submission:

Labcorp Genetics (formerly Invitae), Labcorp
Classification: Uncertain significance for 3-methylglutaconic aciduria, type VIIB. Last evaluated: 2020-03-09. Review status: criteria provided, single submitter. Criteria: Invitae Variant Classification Sherloc (09022015). Collection method: clinical testing. Allele origin: germline.
Comment: This sequence change replaces glycine with glutamic acid at codon 289 of the CLPB protein (p.Gly289Glu). The glycine residue is moderately conserved and there is a moderate physicochemical difference between glycine and glutamic acid. This variant is present in population databases (rs543347319, ExAC 0.02%). This variant has not been reported in the literature in individuals with CLPB-related conditions. Algorithms developed to predict the effect of missense changes on protein structure and function are either unavailable or do not agree on the potential impact of this missense change (SIFT: "Tolerated"; PolyPhen-2: "Probably Damaging"; Align-GVGD: "Class C0"). In summary, the available evidence is currently insufficient to determine the role of this variant in disease. Therefore, it has been classified as a Variant of Uncertain Significance.